The following is an entry in ClinVar:

NM_182961.4(SYNE1):c.9371T>C (p.Met3124Thr)

Gene: SYNE1 (spectrin repeat containing nuclear envelope protein 1; minus strand). Cytogenetic location: 6q25.2.
Variant type: single nucleotide variant.
Coding change: c.9371T>C on transcript NM_182961.4 (MANE Select); coding-DNA position 9371, T replaced by C.
Protein change: p.Met3124Thr; replaces methionine 3124 with threonine.
Molecular consequence: missense variant.
Genome position (GRCh38, 1-based): chr6:152,373,173, A>G on the plus strand (T>C on the coding strand, the complement: SYNE1 is on the minus strand). VCF-style: chr6-152373173-A-G. GRCh37 (hg19) VCF-style: chr6-152694308-A-G.
Other names: c.9371T>C (NM_182961.2); c.9392T>C, p.Met3131Thr (NM_033071.5); short protein forms M3124T, M3131T.
Identifiers: ClinVar variation 290630 (VCV000290630.11), dbSNP rs756079906, ClinGen allele CA4057337.

ClinVar aggregate classification (germline): Uncertain significance. Review status: criteria provided, multiple submitters, no conflicts (2 of 4 stars). 5 submissions from 5 submitters: Uncertain significance (5). Last evaluated 2025-04-03.

Conditions:
Autosomal recessive ataxia, Beauce type. Also called: Spinocerebellar ataxia, autosomal recessive 8; ATAXIA, RECESSIVE, OF BEAUCE; SYNE1 Deficiency; SYNE1-Related Autosomal Recessive Cerebellar Ataxia. Identifiers: Orphanet 88644, MedGen C1853116, MONDO:0012549, OMIM 610743.
Emery-Dreifuss muscular dystrophy 4, autosomal dominant (EDMD4). Also called: EMERY-DREIFUSS MUSCULAR DYSTROPHY 4 WITH VARIABLE FEATURES. Identifiers: Orphanet 261, MedGen C2751807, MONDO:0013071, OMIM 612998.

Allele frequency attached by ClinVar (database versions not stated): TOPMed 0.00001; ExAC 0.00002; gnomAD exomes 0.00003 and 0.00008; gnomAD 0.00005.
gnomAD v4.1: 54 of 1,613,904 alleles (0.0033%); highest among the groups gnomAD compares: Non-Finnish European, 0.0014%; no homozygotes.

Submissions (5):

Athena Diagnostics
Classification: Uncertain significance. Last evaluated: 2025-04-03. Review status: criteria provided, single submitter. Criteria: Athena Diagnostics Criteria. Collection method: clinical testing. Allele origin: unknown.
Comment: Available data are insufficient to determine the clinical significance of the variant at this time. The frequency of this variant in the general population is higher than would generally be expected for pathogenic variants in this gene. Polyphen and MutationTaster predict this amino acid change may be benign.

Labcorp Genetics (formerly Invitae), Labcorp
Classification: Uncertain significance for Emery-Dreifuss muscular dystrophy 4, autosomal dominant; Autosomal recessive ataxia, Beauce type. Last evaluated: 2022-08-20. Review status: criteria provided, single submitter. Criteria: Invitae Variant Classification Sherloc (09022015). Collection method: clinical testing. Allele origin: germline.
Comment: This sequence change replaces methionine, which is neutral and non-polar, with threonine, which is neutral and polar, at codon 3131 of the SYNE1 protein (p.Met3131Thr). This variant is present in population databases (rs756079906, gnomAD 0.09%). This variant has not been reported in the literature in individuals affected with SYNE1-related conditions. ClinVar contains an entry for this variant (Variation ID: 290630). Algorithms developed to predict the effect of missense changes on protein structure and function are either unavailable or do not agree on the potential impact of this missense change (SIFT: "Deleterious"; PolyPhen-2: "Benign"; Align-GVGD: "Class C25"). In summary, the available evidence is currently insufficient to determine the role of this variant in disease. Therefore, it has been classified as a Variant of Uncertain Significance.

Revvity Omics, Revvity
Classification: Uncertain significance. Last evaluated: 2019-08-21. Review status: criteria provided, single submitter. Criteria: ACMG Guidelines, 2015. Collection method: clinical testing. Allele origin: germline.

GeneDx
Classification: Uncertain significance. Last evaluated: 2017-03-31. Review status: criteria provided, single submitter. Criteria: GeneDx Variant Classification (06012015). Collection method: clinical testing. Allele origin: germline. Affected: yes.
Comment: The M3131T variant has not been published as a pathogenic variant, nor has it been reported as a benign variant to our knowledge. The M3131T variant is observed in 3/6610 (0.05%) alleles from individuals of Finnish background (Lek et al., 2016; 1000 Genomes Consortium et al., 2015; Exome Variant Server). This substitution occurs at a position where amino acids with similar properties to Methionine are tolerated across species. However, this variant is a non-conservative amino acid substitution, which is likely to impact secondary protein structure as these residues differ in polarity, charge, size and/or other properties. In silico analysis is inconsistent in its predictions as to whether or not the variant is damaging to the protein structure/function.

Eurofins Ntd Llc (ga)
Classification: Uncertain significance. Last evaluated: 2016-08-23. Review status: criteria provided, single submitter. Criteria: EGL Classification Definitions 2015. Collection method: clinical testing. Allele origin: germline. Observed: 1 variant allele, 1 heterozygote.